The following is an entry in ClinVar:

ClinVar aggregate classification (germline): Pathogenic. Review status: criteria provided, multiple submitters, no conflicts (2 of 4 stars). 2 submissions from 2 submitters: Pathogenic (2). Last evaluated 2024-02-18.

Conditions:
Propionic acidemia (PROP). Also called: GLYCINEMIA, KETOTIC; HYPERGLYCINEMIA WITH KETOACIDOSIS AND LEUKOPENIA; KETOTIC HYPERGLYCINEMIA. Identifiers: Orphanet 35, MedGen C0268579, MONDO:0011628, OMIM 606054, HP:0003571.

Submissions (2):

Baylor Genetics
Classification: Pathogenic for Propionic acidemia. Last evaluated: 2024-02-18. Review status: criteria provided, single submitter. Criteria: ACMG Guidelines, 2015. Collection method: clinical testing. Allele origin: unknown.

Labcorp Genetics (formerly Invitae), Labcorp
Classification: Pathogenic for Propionic acidemia. Last evaluated: 2022-12-05. Review status: criteria provided, single submitter. Criteria: Invitae Variant Classification Sherloc (09022015). Collection method: clinical testing. Allele origin: germline.
Comment: Information on the frequency of this variant in the gnomAD database is not available, as this variant may be reported differently in the database. For these reasons, this variant has been classified as Pathogenic. This variant has been observed in individual(s) with propionic acidemia (PMID: 19099776, 33028371). In at least one individual the data is consistent with being in trans (on the opposite chromosome) from a pathogenic variant. This variant, c.167_179delinsC, is a complex sequence change that results in the deletion of 5 and insertion of 1 amino acid(s) in the PCCB protein (p.Asp56_Lys60delinsAla).

Literature cited by the submitters: PubMed 19099776 (cited by Labcorp Genetics (formerly Invitae), Labcorp); PubMed 33028371 (cited by Labcorp Genetics (formerly Invitae), Labcorp).

NM_000532.5(PCCB):c.167_179delinsC (p.Asp56_Lys60delinsAla)

Gene: PCCB (propionyl-CoA carboxylase subunit beta; plus strand). Cytogenetic location: 3q22.3.
Variant type: Indel.
Coding change: c.167_179delinsC on transcript NM_000532.5 (MANE Select); coding-DNA positions 167 to 179, ACGCGCAGCACAA replaced by C.
Protein change: p.Asp56_Lys60delinsAla.
Molecular consequence: inframe indel.
Genome position (GRCh38, 1-based): chr3:136,250,542-136,250,554, ACGCGCAGCACAA replaced by C. VCF-style: chr3-136250542-ACGCGCAGCACAA-C. GRCh37 (hg19) VCF-style: chr3-135969384-ACGCGCAGCACAA-C.
Other names: c.167_179delinsC, p.Asp56_Lys60delinsAla (NM_001178014.2).
Identifiers: ClinVar variation 2677528 (VCV002677528.5), dbSNP rs2529732029, ClinGen allele CA2586972951.